The following is an entry in ClinVar:

NM_004415.4(DSP):c.6992C>G (p.Ser2331Cys)

Gene: DSP (desmoplakin; plus strand). Cytogenetic location: 6p24.3.
Variant type: single nucleotide variant.
Coding change: c.6992C>G on transcript NM_004415.4 (MANE Select); coding-DNA position 6992, C replaced by G.
Protein change: p.Ser2331Cys; replaces serine 2331 with cysteine.
Molecular consequence: missense variant.
Genome position (GRCh38, 1-based): chr6:7,584,254, C>G. VCF-style: chr6-7584254-C-G. GRCh37 (hg19) VCF-style: chr6-7584487-C-G.
Other names: c.5195C>G, p.Ser1732Cys (NM_001008844.3); c.5663C>G, p.Ser1888Cys (NM_001319034.2); c.6992C>G (NM_004415.3); short protein forms S1732C, S1888C, S2331C.
Identifiers: ClinVar variation 2775355 (VCV002775355.3), dbSNP rs2533943442, ClinGen allele CA362691999.

ClinVar aggregate classification (germline): Uncertain significance. Review status: criteria provided, multiple submitters, no conflicts (2 of 4 stars). 2 submissions from 2 submitters: Uncertain significance (2). Last evaluated 2025-02-17.

Conditions:
Cardiomyopathy (CMYO). Also called: Cardiomyopathies. Identifiers: Orphanet 167848, MedGen C0878544, MONDO:0004994, HP:0001638. Inheritance: Various modes of inheritance.
Cardiovascular phenotype. Identifiers: MedGen CN230736.

gnomAD v4.1: 1 of 1,614,172 alleles (0.000062%); highest among the groups gnomAD compares: Non-Finnish European, 0.000085%; no homozygotes.

Submissions (2):

Molecular Diagnostic Laboratory for Inherited Cardiovascular Disease, Montreal Heart Institute
Classification: Uncertain significance for Cardiovascular phenotype. Last evaluated: 2025-02-17. Review status: criteria provided, single submitter. Criteria: ACMG Guidelines, 2015. Collection method: clinical testing. Allele origin: germline. Affected: yes.
Comment: PM2, PP3

Color Diagnostics, LLC DBA Color Health
Classification: Uncertain significance for Cardiomyopathy. Last evaluated: 2024-03-06. Review status: criteria provided, single submitter. Criteria: ACMG Guidelines, 2015. Collection method: clinical testing. Allele origin: germline.
Comment: This missense variant replaces serine with cysteine at codon 2331 of the DSP protein. Computational prediction is inconclusive regarding the impact of this variant on protein structure and function (internally defined REVEL score threshold 0.5 < inconclusive < 0.7, PMID: 27666373). To our knowledge, functional studies have not been reported for this variant. This variant has not been reported in individuals affected with cardiovascular disorders in the literature. This variant has not been identified in the general population by the Genome Aggregation Database (gnomAD). The available evidence is insufficient to determine the role of this variant in disease conclusively. Therefore, this variant is classified as a Variant of Uncertain Significance.